The following is an entry in ClinVar:

ClinVar aggregate classification (germline): Likely benign (0 of 4 stars; one submission).

Conditions:
AFF4-related disorder. Also called: AFF4-related condition.

Submission:

PreventionGenetics, part of Exact Sciences
Classification: Likely benign for AFF4-related condition. Last evaluated: 2024-05-14. Review status: no assertion criteria provided. Collection method: clinical testing. Allele origin: germline.
Comment: This variant is classified as likely benign based on ACMG/AMP sequence variant interpretation guidelines (Richards et al. 2015 PMID: 25741868, with internal and published modifications).

NM_014423.4(AFF4):c.892C>T (p.Leu298=)

Gene: AFF4 (ALF transcription elongation factor 4; minus strand). Cytogenetic location: 5q31.1.
Variant type: single nucleotide variant.
Coding change: c.892C>T on transcript NM_014423.4 (MANE Select); coding-DNA position 892, C replaced by T.
Protein change: p.Leu298=; no amino-acid change (leucine 298 retained).
Molecular consequence: synonymous variant.
Genome position (GRCh38, 1-based): chr5:132,934,173, G>A on the plus strand (C>T on the coding strand, the complement: AFF4 is on the minus strand). VCF-style: chr5-132934173-G-A. GRCh37 (hg19) VCF-style: chr5-132269865-G-A.
Identifiers: ClinVar variation 3346901 (VCV003346901.1).
Genomic context (GRCh38, chr5:132,934,173, plus strand): 5'-TCACAATGTTAAAAGCTCTAAATGTGTGACTTACATCCAGTGGTTGGGAAGGTATTTTCA[G>A]CTTGGTGAGATGTGCTTTGCTGCTGGGCTTCAGCTCAGTCATGCTGTTGCCATGGGATTG-3'
Protein context (NP_055238.1, residues 288-308): KPSSKAHLTK[Leu298=]KIPSQPLDAS